The following is an entry in ClinVar:

ClinVar aggregate classification (germline): Conflicting classifications of pathogenicity. Review status: criteria provided, conflicting classifications (1 of 4 stars). 2 submissions from 2 submitters: Uncertain significance (1); Benign (1). Last evaluated 2025-12-03.

Conditions:
Creatine transporter deficiency (CCDS1). Also called: Mental retardation , X-linked with seizures, short stature and midface hypoplasia; Mental retardation , X-linked, with creatine transport deficiency; X-linked creatine transporter deficiency; X-linked creatine deficiency syndrome; SLC6A8-Related Creatine Transporter Deficiency; Creatine Transporter (CRTR) Deficiency. Identifiers: Orphanet 52503, MedGen C1845862, MONDO:0010305, OMIM 300352.

Allele frequency attached by ClinVar (database versions not stated): TOPMed 0.00001; gnomAD exomes 0.00002.
gnomAD v4.1: 28 of 1,211,038 alleles (0.0023%); highest among the groups gnomAD compares: Middle Eastern, 0.023%; no homozygotes.

Submissions (2):

Labcorp Genetics (formerly Invitae), Labcorp
Classification: Benign for Creatine transporter deficiency. Last evaluated: 2025-12-03. Review status: criteria provided, single submitter. Criteria: Invitae Variant Classification Sherloc (09022015). Collection method: clinical testing. Allele origin: germline.

Laboratorio de Genetica e Diagnostico Molecular, Hospital Israelita Albert Einstein
Classification: Uncertain significance for Creatine transporter deficiency. Last evaluated: 2023-07-24. Review status: criteria provided, single submitter. Criteria: ACMG Guidelines, 2015. Collection method: clinical testing. Allele origin: germline. Affected: yes.
Comment: ACMG classification criteria: PM2 moderate, BP4 supporting

NM_005629.4(SLC6A8):c.497C>T (p.Thr166Met)

Gene: SLC6A8 (solute carrier family 6 member 8; plus strand). Cytogenetic location: Xq28.
Variant type: single nucleotide variant.
Coding change: c.497C>T on transcript NM_005629.4 (MANE Select); coding-DNA position 497, C replaced by T.
Protein change: p.Thr166Met; replaces threonine 166 with methionine.
Molecular consequence: missense variant.
Genome position (GRCh38, 1-based): chrX:153,691,406, C>T. VCF-style: chrX-153691406-C-T. GRCh37 (hg19) VCF-style: chrX-152956861-C-T.
Other names: c.497C>T, p.Thr166Met (NM_001142805.2); c.152C>T, p.Thr51Met (NM_001142806.1); short protein forms T51M, T166M.
Identifiers: ClinVar variation 1379280 (VCV001379280.9), dbSNP rs1479462836, ClinGen allele CA415078832.